The following is an entry in ClinVar:

NM_001843.4(CNTN1):c.2444T>C (p.Val815Ala)

Gene: CNTN1 (contactin 1; plus strand). Cytogenetic location: 12q12.
Variant type: single nucleotide variant.
Coding change: c.2444T>C on transcript NM_001843.4 (MANE Select); coding-DNA position 2444, T replaced by C.
Protein change: p.Val815Ala; replaces valine 815 with alanine.
Molecular consequence: missense variant.
Genome position (GRCh38, 1-based): chr12:41,020,361, T>C. VCF-style: chr12-41020361-T-C. GRCh37 (hg19) VCF-style: chr12-41414163-T-C.
Other names: c.2411T>C, p.Val804Ala (NM_175038.2); short protein forms V804A, V815A.
Identifiers: ClinVar variation 4749573 (VCV004749573.1).

ClinVar aggregate classification (germline): Uncertain significance (1 of 4 stars; one submission).

Conditions:
Compton-North congenital myopathy (CMYO12). Identifiers: Orphanet 210163, MedGen C2675527, MONDO:0012929, OMIM 612540.

gnomAD v4.1: 2 of 1,611,966 alleles (0.00012%); highest among the groups gnomAD compares: Non-Finnish European, 0.00017%; no homozygotes.

Submission:

Labcorp Genetics (formerly Invitae), Labcorp
Classification: Uncertain significance for Compton-North congenital myopathy. Last evaluated: 2025-06-12. Review status: criteria provided, single submitter. Criteria: Invitae Variant Classification Sherloc (09022015). Collection method: clinical testing. Allele origin: germline.
Comment: This sequence change replaces valine, which is neutral and non-polar, with alanine, which is neutral and non-polar, at codon 815 of the CNTN1 protein (p.Val815Ala). This variant is not present in population databases (gnomAD no frequency). This variant has not been reported in the literature in individuals affected with CNTN1-related conditions. Invitae Evidence Modeling of protein sequence and biophysical properties (such as structural, functional, and spatial information, amino acid conservation, physicochemical variation, residue mobility, and thermodynamic stability) indicates that this missense variant is not expected to disrupt CNTN1 protein function with a negative predictive value of 95%. In summary, the available evidence is currently insufficient to determine the role of this variant in disease. Therefore, it has been classified as a Variant of Uncertain Significance.